The following is an entry in ClinVar:

NM_014908.4(DOLK):c.829C>T (p.Arg277Trp)

Gene: DOLK (dolichol kinase; minus strand). Cytogenetic location: 9q34.11.
Variant type: single nucleotide variant.
Coding change: c.829C>T on transcript NM_014908.4 (MANE Select); coding-DNA position 829, C replaced by T.
Protein change: p.Arg277Trp; replaces arginine 277 with tryptophan.
Molecular consequence: missense variant.
Genome position (GRCh38, 1-based): chr9:128,946,475, G>A on the plus strand (C>T on the coding strand, the complement: DOLK is on the minus strand). VCF-style: chr9-128946475-G-A. GRCh37 (hg19) VCF-style: chr9-131708754-G-A.
Other names: short protein forms R277W.
Identifiers: ClinVar variation 1366514 (VCV001366514.3), dbSNP rs1253487442, ClinGen allele CA375122559.

ClinVar aggregate classification (germline): Uncertain significance (1 of 4 stars; one submission).

Conditions:
DK1-congenital disorder of glycosylation. Also called: CDG Im; DK1 DEFICIENCY; DOLICHOL KINASE DEFICIENCY; CONGENITAL DISORDER OF GLYCOSYLATION, TYPE Im; DK1-CDG; DOLK-congenital disorder of glycosylation. Identifiers: Orphanet 91131, MedGen C1835849, MONDO:0012556, OMIM 610768.

Allele frequency attached by ClinVar (database versions not stated): gnomAD exomes below 0.00001; gnomAD 0.00001.

Submission:

Labcorp Genetics (formerly Invitae), Labcorp
Classification: Uncertain significance for DK1-congenital disorder of glycosylation. Last evaluated: 2022-03-08. Review status: criteria provided, single submitter. Criteria: Invitae Variant Classification Sherloc (09022015). Collection method: clinical testing. Allele origin: germline.
Comment: This sequence change replaces arginine, which is basic and polar, with tryptophan, which is neutral and slightly polar, at codon 277 of the DOLK protein (p.Arg277Trp). This variant is present in population databases (no rsID available, gnomAD 0.003%). This variant has not been reported in the literature in individuals affected with DOLK-related conditions. Algorithms developed to predict the effect of missense changes on protein structure and function output the following: SIFT: "Tolerated"; PolyPhen-2: "Benign"; Align-GVGD: "Class C0". The tryptophan amino acid residue is found in multiple mammalian species, which suggests that this missense change does not adversely affect protein function. In summary, the available evidence is currently insufficient to determine the role of this variant in disease. Therefore, it has been classified as a Variant of Uncertain Significance.